The following is an entry in ClinVar:

ClinVar aggregate classification (germline): Uncertain significance. Review status: criteria provided, multiple submitters, no conflicts (2 of 4 stars). 2 submissions from 2 submitters: Uncertain significance (2). Last evaluated 2025-07-08.

Conditions:
Otospondylomegaepiphyseal dysplasia, autosomal recessive (OSMEDB). Also called: CHONDRODYSTROPHY WITH SENSORINEURAL DEAFNESS; Insley-Astley syndrome. Identifiers: Orphanet 1427, MedGen CN034493, MONDO:0044206, OMIM 215150.
Fibrochondrogenesis 1 (FBCG1). Identifiers: Orphanet 2021, MedGen C3278138, MONDO:0009226, OMIM 228520.
Autosomal dominant nonsyndromic hearing loss 13. Identifiers: Orphanet 90635, MedGen C1866095, MONDO:0011159, OMIM 601868.
Autosomal recessive nonsyndromic hearing loss 53. Identifiers: Orphanet 90636, MedGen C1864746, MONDO:0012333, OMIM 609706.
Otospondylomegaepiphyseal dysplasia, autosomal dominant (OSMEDA). Also called: Stickler syndrome, type 3; COL11A2-Related Stickler Syndrome; Pierre Robin syndrome with fetal chondrodysplasia. Identifiers: Orphanet 166100, Orphanet 3450, MedGen C1848488, MONDO:0008490, OMIM 184840.

Submissions (2):

GeneDx
Classification: Uncertain significance. Last evaluated: 2025-07-08. Review status: criteria provided, single submitter. Criteria: GeneDx Variant Classification Process June 2021. Collection method: clinical testing. Allele origin: germline. Affected: yes.
Comment: Not observed at significant frequency in large population cohorts (gnomAD); In silico analysis supports that this missense variant has a deleterious effect on protein structure/function; Has not been previously published as pathogenic or benign to our knowledge

Labcorp Genetics (formerly Invitae), Labcorp
Classification: Uncertain significance. Last evaluated: 2024-08-21. Review status: criteria provided, single submitter. Criteria: Invitae Variant Classification Sherloc (09022015). Collection method: clinical testing. Allele origin: germline.
Comment: This sequence change replaces glycine, which is neutral and non-polar, with alanine, which is neutral and non-polar, at codon 1201 of the COL11A2 protein (p.Gly1201Ala). This variant is not present in population databases (gnomAD no frequency). This variant has not been reported in the literature in individuals affected with COL11A2-related conditions. Invitae Evidence Modeling of protein sequence and biophysical properties (such as structural, functional, and spatial information, amino acid conservation, physicochemical variation, residue mobility, and thermodynamic stability) indicates that this missense variant is expected to disrupt COL11A2 protein function with a positive predictive value of 95%. In summary, the available evidence is currently insufficient to determine the role of this variant in disease. Therefore, it has been classified as a Variant of Uncertain Significance.

NM_080680.3(COL11A2):c.3602G>C (p.Gly1201Ala)

Gene: COL11A2 (collagen type XI alpha 2 chain; minus strand). Cytogenetic location: 6p21.32.
Variant type: single nucleotide variant.
Coding change: c.3602G>C on transcript NM_080680.3 (MANE Select); coding-DNA position 3602, G replaced by C.
Protein change: p.Gly1201Ala; replaces glycine 1201 with alanine.
Molecular consequence: missense variant.
Genome position (GRCh38, 1-based): chr6:33,170,081, C>G on the plus strand (G>C on the coding strand, the complement: COL11A2 is on the minus strand). VCF-style: chr6-33170081-C-G. GRCh37 (hg19) VCF-style: chr6-33137858-C-G.
Other names: c.3422G>C, p.Gly1141Ala (NM_001424108.1); c.2756G>C, p.Gly919Ala (NM_001424109.1); c.2576G>C, p.Gly859Ala (NM_001424110.1, NM_001424111.1); c.1556G>C, p.Gly519Ala (NM_001424112.1); c.3281G>C, p.Gly1094Ala (NM_080679.3); c.3344G>C, p.Gly1115Ala (NM_080681.3); c.3602G>C (NM_080680.2); short protein forms G1094A, G1115A, G1141A, G1201A, G859A, G919A, G519A.
Identifiers: ClinVar variation 3635245 (VCV003635245.4).